The following is an entry in ClinVar:

ClinVar aggregate classification (germline): Likely benign. Review status: criteria provided, multiple submitters, no conflicts (2 of 4 stars). 4 submissions from 4 submitters: Likely benign (4). Last evaluated 2025-11-17.

Conditions:
Myopathy, tubular aggregate, 2 (TAM2). Identifiers: MedGen C4014557, MONDO:0014383, OMIM 615883.
Combined immunodeficiency due to ORAI1 deficiency. Also called: IMMUNODEFICIENCY 9. Identifiers: Orphanet 169090, Orphanet 317428, MedGen C2748568, MONDO:0013007, OMIM 612782.

Allele frequency attached by ClinVar (database versions not stated): gnomAD exomes 0.00001; ExAC 0.00002; gnomAD 0.00002 and 0.00003; TOPMed 0.00005; ESP Exome Variant Server 0.00008; 1000 Genomes Project 30x 0.00016; 1000 Genomes Project 0.00020.

Submissions (4):

Labcorp Genetics (formerly Invitae), Labcorp
Classification: Likely benign for Myopathy, tubular aggregate, 2; Combined immunodeficiency due to ORAI1 deficiency. Last evaluated: 2025-11-17. Review status: criteria provided, single submitter. Criteria: Invitae Variant Classification Sherloc (09022015). Collection method: clinical testing. Allele origin: germline.

Blueprint Genetics
Classification: Likely benign. Last evaluated: 2024-09-13. Review status: criteria provided, single submitter. Criteria: ACMG Guidelines, 2015. Collection method: clinical testing. Allele origin: germline.

CeGaT Center for Human Genetics Tuebingen
Classification: Likely benign. Last evaluated: 2022-07-01. Review status: criteria provided, single submitter. Criteria: CeGaT Center For Human Genetics Tuebingen Variant Classification Criteria Version 2. Collection method: clinical testing. Allele origin: germline. Affected: yes. Observed: 1 variant allele.
Comment: ORAI1: BP4, BP7

GeneDx
Classification: Likely benign. Last evaluated: 2017-01-23. Review status: criteria provided, single submitter. Criteria: GeneDx Variant Classification (06012015). Collection method: clinical testing. Allele origin: germline. Affected: yes.
Comment: This variant is considered likely benign or benign based on one or more of the following criteria: it is a conservative change, it occurs at a poorly conserved position in the protein, it is predicted to be benign by multiple in silico algorithms, and/or has population frequency not consistent with disease.

NM_032790.4(ORAI1):c.240C>T (p.Tyr80=)

Genes: ORAI1 (ORAI calcium release-activated calcium modulator 1; plus strand), LOC130008987 (ATAC-STARR-seq lymphoblastoid silent region 4981; plus strand). Cytogenetic location: 12q24.31.
Variant type: single nucleotide variant.
Coding change: c.240C>T on transcript NM_032790.4 (MANE Select); coding-DNA position 240, C replaced by T.
Protein change: p.Tyr80=; no amino-acid change (tyrosine 80 retained).
Genome position (GRCh38, 1-based): chr12:121,626,987, C>T. VCF-style: chr12-121626987-C-T. GRCh37 (hg19) VCF-style: chr12-122064893-C-T.
Identifiers: ClinVar variation 506816 (VCV000506816.37), dbSNP rs199715755, ClinGen allele CA244608569.